The following is an entry in ClinVar:

NM_152564.5(VPS13B):c.3366G>C (p.Lys1122Asn)

Gene: VPS13B (vacuolar protein sorting 13 homolog B; plus strand). Cytogenetic location: 8q22.2.
Variant type: single nucleotide variant.
Coding change: c.3366G>C on transcript NM_152564.5 (MANE Select); coding-DNA position 3366, G replaced by C.
Protein change: p.Lys1122Asn; replaces lysine 1122 with asparagine.
Molecular consequence: missense variant.
Genome position (GRCh38, 1-based): chr8:99,442,556, G>C. VCF-style: chr8-99442556-G-C. GRCh37 (hg19) VCF-style: chr8-100454784-G-C.
Other names: c.3366G>C, p.Lys1122Asn (NM_017890.5); c.3366G>C (NM_017890.3, NM_152564.4); short protein forms K1122N.
Identifiers: ClinVar variation 212574 (VCV000212574.8), dbSNP rs752453891, ClinGen allele CA205456.

ClinVar aggregate classification (germline): Uncertain significance. Review status: criteria provided, multiple submitters, no conflicts (2 of 4 stars). 3 submissions from 3 submitters: Uncertain significance (3). Last evaluated 2025-12-24.

Conditions:
VPS13B-related disorder. Also called: VPS13B-related condition.
Inborn genetic diseases. Identifiers: MedGen C0950123, MeSH D030342.

Allele frequency attached by ClinVar (database versions not stated): ExAC 0.00001; gnomAD 0.00001; TOPMed 0.00001.
gnomAD v4.1: 26 of 1,613,818 alleles (0.0016%); highest among the groups gnomAD compares: Non-Finnish European, 0.0022%; no homozygotes.

Submissions (3):

PreventionGenetics, part of Exact Sciences
Classification: Uncertain significance for VPS13B-related condition. Last evaluated: 2025-12-24. Review status: criteria provided, single submitter. Criteria: ACMG Guidelines, 2015. Collection method: clinical testing. Allele origin: germline.
Comment: The VPS13B c.3366G>C variant is predicted to result in the amino acid substitution p.Lys1122Asn. To our knowledge, this variant has not been reported in the literature. This variant is reported in 0.00078% of alleles in individuals of European (Non-Finnish) descent in gnomAD. At this time, the clinical significance of this variant is uncertain due to the absence of conclusive functional and genetic evidence.

Ambry Genetics
Classification: Uncertain significance for Inborn genetic diseases. Last evaluated: 2023-12-06. Review status: criteria provided, single submitter. Criteria: Ambry Variant Classification Scheme 2023. Collection method: clinical testing. Allele origin: germline.

Genetic Services Laboratory, University of Chicago
Classification: Uncertain significance. Last evaluated: 2015-07-28. Review status: criteria provided, single submitter. Criteria: ACMG Guidelines, 2015. Collection method: clinical testing. Allele origin: germline.